The following is an entry in ClinVar:

NM_025081.3(NYNRIN):c.2421C>G (p.Gly807=)

Gene: NYNRIN (NYN domain and retroviral integrase containing; plus strand). Cytogenetic location: 14q12.
Variant type: single nucleotide variant.
Coding change: c.2421C>G on transcript NM_025081.3 (MANE Select); coding-DNA position 2421, C replaced by G.
Protein change: p.Gly807=; no amino-acid change (glycine 807 retained).
Molecular consequence: synonymous variant.
Genome position (GRCh38, 1-based): chr14:24,411,082, C>G. VCF-style: chr14-24411082-C-G. GRCh37 (hg19) VCF-style: chr14-24880288-C-G.
Identifiers: ClinVar variation 3628209 (VCV003628209.2).
Genomic context (GRCh38, chr14:24,411,082, plus strand): 5'-GCTCTGAGGGAGGAGTGGTGAGGCAGGGTCTTTCCTTGTCCCACGACCCCACAGGCATGG[C>G]CTGCAGCACTTCTTCTCCTGCCGAGGAATTGCCATGGCAGTGCAGTTTTTCTGGAACCGG-3'
Protein context (NP_079357.2, residues 797-817): IDGSSVAMVH[Gly807=]LQHFFSCRGI

ClinVar aggregate classification (germline): Uncertain significance (1 of 4 stars; one submission).

gnomAD v4.1: 3 of 1,613,642 alleles (0.00019%); highest among the groups gnomAD compares: East Asian, 0.0022%; no homozygotes.

Submission:

Labcorp Genetics (formerly Invitae), Labcorp
Classification: Uncertain significance. Last evaluated: 2024-12-18. Review status: criteria provided, single submitter. Criteria: Invitae Variant Classification Sherloc (09022015). Collection method: clinical testing. Allele origin: germline.
Comment: This sequence change affects codon 807 of the NYNRIN mRNA. It is a 'silent' change, meaning that it does not change the encoded amino acid sequence of the NYNRIN protein. The frequency data for this variant in the population databases is considered unreliable, as metrics indicate poor data quality at this position in the gnomAD database. This variant has not been reported in the literature in individuals affected with NYNRIN-related conditions. Experimental studies and prediction algorithms are not available or were not evaluated, and the effect of this variant on mRNA splicing is currently unknown. In summary, the available evidence is currently insufficient to determine the role of this variant in disease. Therefore, it has been classified as a Variant of Uncertain Significance.